The following is an entry in ClinVar:

ClinVar aggregate classification (germline): Uncertain significance (1 of 4 stars; one submission).

Conditions:
Hereditary cancer-predisposing syndrome. Also called: Neoplastic Syndromes, Hereditary; Tumor predisposition; Hereditary neoplastic syndrome; Hereditary Cancer Syndrome. Identifiers: Orphanet 140162, MedGen C0027672, MeSH D009386, MONDO:0015356.

Submission:

Ambry Genetics
Classification: Uncertain significance for Hereditary cancer-predisposing syndrome. Last evaluated: 2019-06-28. Review status: criteria provided, single submitter. Criteria: Ambry Variant Classification Scheme 2023. Collection method: clinical testing. Allele origin: germline.
Comment: The p.Q1500E variant (also known as c.4498C>G), located in coding exon 29 of the ATM gene, results from a C to G substitution at nucleotide position 4498. The glutamine at codon 1500 is replaced by glutamic acid, an amino acid with highly similar properties. This amino acid position is poorly conserved in available vertebrate species. In addition, this alteration is predicted to be tolerated by in silico analysis. Since supporting evidence is limited at this time, the clinical significance of this alteration remains unclear.

NM_000051.4(ATM):c.4498C>G (p.Gln1500Glu)

Gene: ATM (ATM serine/threonine kinase; plus strand). Cytogenetic location: 11q22.3.
Variant type: single nucleotide variant.
Coding change: c.4498C>G on transcript NM_000051.4 (MANE Select); coding-DNA position 4498, C replaced by G.
Protein change: p.Gln1500Glu; replaces glutamine 1500 with glutamic acid.
Molecular consequence: missense variant.
Genome position (GRCh38, 1-based): chr11:108,292,680, C>G. VCF-style: chr11-108292680-C-G. GRCh37 (hg19) VCF-style: chr11-108163407-C-G.
Other names: c.4498C>G, p.Gln1500Glu (NM_001351834.2); short protein forms Q1500E.
Identifiers: ClinVar variation 824941 (VCV000824941.4), dbSNP rs1591674064, ClinGen allele CA382533460.